The following is an entry in ClinVar:

ClinVar aggregate classification (germline): Uncertain significance (1 of 4 stars; one submission).

Conditions:
Hypohidrotic X-linked ectodermal dysplasia (XHED). Also called: Christ-Siemans-Touraine syndrome; ECTODERMAL DYSPLASIA 1; Ectodermal Dysplasia 1, Anhidrotic; Anhidrotic ectodermal dysplasia X-linked; Christ Siemens Touraine syndrome; ECTODERMAL DYSPLASIA 1, HYPOHIDROTIC, X-LINKED. Identifiers: Orphanet 181, Orphanet 238468, MedGen C0162359, MONDO:0010585, OMIM 305100.

Submission:

Labcorp Genetics (formerly Invitae), Labcorp
Classification: Uncertain significance for Hypohidrotic X-linked ectodermal dysplasia. Last evaluated: 2020-02-10. Review status: criteria provided, single submitter. Criteria: Invitae Variant Classification Sherloc (09022015). Collection method: clinical testing. Allele origin: germline.
Comment: This sequence change replaces serine with asparagine at codon 305 of the EDA protein (p.Ser305Asn). The serine residue is highly conserved and there is a small physicochemical difference between serine and asparagine. This variant is not present in population databases (ExAC no frequency). This variant has been observed in individual(s) with tooth agenesis (PMID: 27538153). Algorithms developed to predict the effect of missense changes on protein structure and function (SIFT, PolyPhen-2, Align-GVGD) all suggest that this variant is likely to be disruptive, but these predictions have not been confirmed by published functional studies and their clinical significance is uncertain. In summary, the available evidence is currently insufficient to determine the role of this variant in disease. Therefore, it has been classified as a Variant of Uncertain Significance.

Literature cited by the submitters: PubMed 27538153.

NM_001399.5(EDA):c.914G>A (p.Ser305Asn)

Gene: EDA (ectodysplasin A; plus strand). Cytogenetic location: Xq13.1.
Variant type: single nucleotide variant.
Coding change: c.914G>A on transcript NM_001399.5 (MANE Select); coding-DNA position 914, G replaced by A.
Protein change: p.Ser305Asn; replaces serine 305 with asparagine.
Molecular consequence: missense variant.
Genome position (GRCh38, 1-based): chrX:70,033,518, G>A. VCF-style: chrX-70033518-G-A. GRCh37 (hg19) VCF-style: chrX-69253368-G-A.
Other names: c.914G>A, p.Ser305Asn (NM_001005609.2); c.905G>A, p.Ser302Asn (NM_001005612.3); short protein forms S302N, S305N.
Identifiers: ClinVar variation 1044137 (VCV001044137.8), dbSNP rs2020227357, ClinGen allele CA413449039.